The following is an entry in ClinVar:

ClinVar aggregate classification (germline): Uncertain significance (1 of 4 stars; one submission).

Submission:

GeneDx
Classification: Uncertain significance. Last evaluated: 2025-04-23. Review status: criteria provided, single submitter. Criteria: GeneDx Variant Classification Process June 2021. Collection method: clinical testing. Allele origin: germline. Affected: yes.
Comment: Frameshift variant predicted to result in abnormal protein length as the last 84 amino acid(s) are replaced with 20 different amino acid(s); Not observed at significant frequency in large population cohorts (gnomAD); Has not been previously published as pathogenic or benign to our knowledge

NM_001371928.1(AHDC1):c.4559_4577del (p.Glu1520fs)

Gene: AHDC1 (AT-hook DNA binding motif containing 1; minus strand). Cytogenetic location: 1p36.11.
Variant type: Deletion.
Coding change: c.4559_4577del on transcript NM_001371928.1 (MANE Select); coding-DNA positions 4559 to 4577, 19 bases deleted (AAATGGCCCGGCCCCCTGG).
Protein change: p.Glu1520fs; shifts the reading frame from glutamic acid 1520.
Molecular consequence: frameshift variant.
Genome position (GRCh38, 1-based): chr1:27,547,539-27,547,557, CCAGGGGGCCGGGCCATTT deleted on the plus strand (AAATGGCCCGGCCCCCTGG on the coding strand, the reverse complement: AHDC1 is on the minus strand); deleting any 19 consecutive bases within chr1:27,547,539-27,547,561 gives the same sequence; the c. name uses the placement nearest the transcript's 3' end. VCF-style (leftmost placement, unchanged base first): chr1-27547538-GCCAGGGGGCCGGGCCATTT-G. GRCh37 (hg19) VCF-style: chr1-27874049-GCCAGGGGGCCGGGCCATTT-G.
Other names: c.4559_4577del, p.Glu1520fs (NM_001029882.3); short protein forms E1520fs.
Identifiers: ClinVar variation 4527603 (VCV004527603.1).